The following is an entry in ClinVar:

ClinVar aggregate classification (germline): Conflicting classifications of pathogenicity. Review status: criteria provided, conflicting classifications (1 of 4 stars). 7 submissions from 7 submitters: Uncertain significance (1); Benign (1); Likely benign (2). 3 of the submissions do not count toward it. Last evaluated 2026-09-01.

Conditions:
PIEZO1-related disorder. Also called: PIEZO1-Related Disorders; PIEZO1-related condition.

Allele frequency attached by ClinVar (database versions not stated): 1000 Genomes Project 30x 0.00203; 1000 Genomes Project 0.00240; TOPMed 0.00283; ExAC 0.00491; gnomAD 0.00574 and 0.00599; gnomAD exomes 0.00608.
gnomAD v4.1: 9,006 of 1,550,310 alleles (0.58%); highest among the groups gnomAD compares: Non-Finnish European, 0.58%; 50 homozygotes.

Submissions (7):

CeGaT Center for Human Genetics Tuebingen
Classification: Likely benign. Last evaluated: 2026-09-01. Review status: criteria provided, single submitter. Criteria: CeGaT Center For Human Genetics Tuebingen Variant Classification Criteria Version 2. Collection method: clinical testing. Allele origin: germline. Affected: yes. Observed: 15 variant alleles.
Comment: PIEZO1: BS2

Labcorp Genetics (formerly Invitae), Labcorp
Classification: Benign. Last evaluated: 2025-12-22. Review status: criteria provided, single submitter. Criteria: Invitae Variant Classification Sherloc (09022015). Collection method: clinical testing. Allele origin: germline.

Mayo Clinic Laboratories, Mayo Clinic
Classification: Uncertain significance. Last evaluated: 2025-07-15. Review status: criteria provided, single submitter. Criteria: ACMG Guidelines, 2015. Collection method: clinical testing. Allele origin: germline. Observed: 20 variant alleles.
Comment: BS1, BS2

ARUP Laboratories, Molecular Genetics and Genomics, ARUP Laboratories
Classification: Likely benign. Last evaluated: 2021-11-03. Review status: criteria provided, single submitter. Criteria: ARUP Molecular Germline Variant Investigation Process 2021. Collection method: clinical testing. Allele origin: germline.

PreventionGenetics, part of Exact Sciences
Classification: Likely benign for PIEZO1-related condition. Last evaluated: 2019-04-12. Review status: no assertion criteria provided. Collection method: clinical testing. Allele origin: germline. Not counted in ClinVar's aggregate classification.
Comment: This variant is classified as likely benign based on ACMG/AMP sequence variant interpretation guidelines (Richards et al. 2015 PMID: 25741868, with internal and published modifications).

Clinical Genetics, Academic Medical Center
Classification: Benign. Review status: no assertion criteria provided. Collection method: clinical testing. Allele origin: germline. Affected: yes. Study: VKGL Data-share Consensus. Not counted in ClinVar's aggregate classification.

Laboratory of Diagnostic Genome Analysis, Leiden University Medical Center (LUMC)
Classification: Likely benign. Review status: no assertion criteria provided. Collection method: clinical testing. Allele origin: germline. Affected: yes. Study: VKGL Data-share Consensus. Not counted in ClinVar's aggregate classification.

Literature cited by the submitters: PubMed 27250707 (cited by Mayo Clinic Laboratories, Mayo Clinic); PubMed 29396846 (cited by Mayo Clinic Laboratories, Mayo Clinic); PubMed 32251670 (cited by Mayo Clinic Laboratories, Mayo Clinic); PubMed 36595486 (cited by Mayo Clinic Laboratories, Mayo Clinic).

NM_001142864.4(PIEZO1):c.7505A>G (p.Lys2502Arg)

Gene: PIEZO1 (piezo type mechanosensitive ion channel component 1 (Er blood group); minus strand). Cytogenetic location: 16q24.3.
Variant type: single nucleotide variant.
Coding change: c.7505A>G on transcript NM_001142864.4 (MANE Select); coding-DNA position 7505, A replaced by G.
Protein change: p.Lys2502Arg; replaces lysine 2502 with arginine.
Molecular consequence: missense variant.
Genome position (GRCh38, 1-based): chr16:88,715,666, T>C on the plus strand (A>G on the coding strand, the complement: PIEZO1 is on the minus strand). VCF-style: chr16-88715666-T-C. GRCh37 (hg19) VCF-style: chr16-88782074-T-C.
Other names: p.Lys2502Arg; short protein forms K2502R.
Identifiers: ClinVar variation 710278 (VCV000710278.45), dbSNP rs34830861, ClinGen allele CA8231303.